The following is an entry in ClinVar:

NM_000214.3(JAG1):c.379G>T (p.Ala127Ser)

Gene: JAG1 (jagged canonical Notch ligand 1; minus strand). Cytogenetic location: 20p12.2.
Variant type: single nucleotide variant.
Coding change: c.379G>T on transcript NM_000214.3 (MANE Select); coding-DNA position 379, G replaced by T.
Protein change: p.Ala127Ser; replaces alanine 127 with serine.
Molecular consequence: missense variant.
Genome position (GRCh38, 1-based): chr20:10,672,709, C>A on the plus strand (G>T on the coding strand, the complement: JAG1 is on the minus strand). VCF-style: chr20-10672709-C-A. GRCh37 (hg19) VCF-style: chr20-10653357-C-A.
Other names: short protein forms A127S.
Identifiers: ClinVar variation 3654324 (VCV003654324.2).
Genomic context (GRCh38, chr20:10,672,709, plus strand): 5'-CCAGGCGCGGGTGTGAGGCTCCGCCCGGCCTCCTTCCCGAGTAGTCACTCACCGGCCAGG[C>A]GAAACTGAAAGGCAGCACGATGCGGTTGCGGTCGTTGCCGCGGCTGGCCTTGAGGTTGAA-3'
Protein context (NP_000205.1, residues 117-137): RNRIVLPFSF[Ala127Ser]WPRSYTLLVE

ClinVar aggregate classification (germline): Uncertain significance (1 of 4 stars; one submission).

Conditions:
Alagille syndrome due to a JAG1 point mutation. Also called: JAG1-Related Alagille Syndrome; HEPATIC DUCTULAR HYPOPLASIA, SYNDROMATIC; Alagille Syndrome 1. Identifiers: Orphanet 261619, Orphanet 52, MedGen C1956125, MONDO:0016862, OMIM 118450.

gnomAD v4.1: 1 of 1,612,792 alleles (0.000062%); no homozygotes.

Submission:

Labcorp Genetics (formerly Invitae), Labcorp
Classification: Uncertain significance for Alagille syndrome due to a JAG1 point mutation. Last evaluated: 2024-06-13. Review status: criteria provided, single submitter. Criteria: Invitae Variant Classification Sherloc (09022015). Collection method: clinical testing. Allele origin: germline.
Comment: This sequence change replaces alanine, which is neutral and non-polar, with serine, which is neutral and polar, at codon 127 of the JAG1 protein (p.Ala127Ser). This variant is not present in population databases (gnomAD no frequency). This variant has not been reported in the literature in individuals affected with JAG1-related conditions. Advanced modeling of protein sequence and biophysical properties (such as structural, functional, and spatial information, amino acid conservation, physicochemical variation, residue mobility, and thermodynamic stability) performed at Invitae indicates that this missense variant is not expected to disrupt JAG1 protein function with a negative predictive value of 95%. In summary, the available evidence is currently insufficient to determine the role of this variant in disease. Therefore, it has been classified as a Variant of Uncertain Significance.